The following is an entry in ClinVar:

NM_001903.5(CTNNA1):c.1144-3T>C

Gene: CTNNA1 (catenin alpha 1; plus strand). Cytogenetic location: 5q31.2.
Variant type: single nucleotide variant.
Coding change: c.1144-3T>C on transcript NM_001903.5 (MANE Select); 3 bases into the intron before coding-DNA position 1144, T replaced by C.
Molecular consequence: intron variant.
Genome position (GRCh38, 1-based): chr5:138,887,487, T>C. VCF-style: chr5-138887487-T-C. GRCh37 (hg19) VCF-style: chr5-138223176-T-C.
Other names: c.1144-3T>C (NM_001323982.2, NM_001323984.2, NM_001290307.3 and 3 more transcripts); c.775-3T>C (NM_001290310.3); c.835-3T>C (NM_001290309.3); c.34-3T>C (NM_001323996.1, NM_001323993.1, NM_001324005.1 and 18 more transcripts); c.-364-3T>C (NM_001324007.1, NM_001324009.1, NM_001324006.1 and 1 more transcripts); c.-239-3T>C (NM_001324013.1); c.-58+11890T>C (NM_001324012.1); c.-61+11890T>C (NM_001324010.1).
Identifiers: ClinVar variation 4235616 (VCV004235616.1).

ClinVar aggregate classification (germline): Uncertain significance (1 of 4 stars; one submission).

Conditions:
Hereditary cancer-predisposing syndrome. Also called: Hereditary Cancer Syndrome; Hereditary neoplastic syndrome; Neoplastic Syndromes, Hereditary; Tumor predisposition. Identifiers: Orphanet 140162, MedGen C0027672, MeSH D009386, MONDO:0015356.

gnomAD v4.1: 1 of 1,584,444 alleles (0.000063%); highest among the groups gnomAD compares: Admixed American, 0.0019%; no homozygotes.

Submission:

Ambry Genetics
Classification: Uncertain significance for Hereditary cancer-predisposing syndrome. Last evaluated: 2025-08-12. Review status: criteria provided, single submitter. Criteria: Ambry Variant Classification Scheme 2023. Collection method: clinical testing. Allele origin: germline.
Comment: The c.1144-3T>C intronic variant results from a T to C substitution 3 nucleotides upstream from coding exon 8 in the CTNNA1 gene. This nucleotide position is well conserved in available vertebrate species. In silico splice site analysis predicts that this alteration will not have any significant effect on splicing. Based on the available evidence, the clinical significance of this variant remains unclear.